The following is an entry in ClinVar:

NM_001903.5(CTNNA1):c.2334C>A (p.Ala778=)

Gene: CTNNA1 (catenin alpha 1; plus strand). Cytogenetic location: 5q31.2.
Variant type: single nucleotide variant.
Coding change: c.2334C>A on transcript NM_001903.5 (MANE Select); coding-DNA position 2334, C replaced by A.
Protein change: p.Ala778=; no amino-acid change (alanine 778 retained).
Molecular consequence: synonymous variant. On other transcripts: intron variant (1).
Genome position (GRCh38, 1-based): chr5:138,932,613, C>A. VCF-style: chr5-138932613-C-A. GRCh37 (hg19) VCF-style: chr5-138268302-C-A.
Other names: c.1224C>A, p.Ala408= (NM_001323994.1, NM_001323993.1, NM_001323995.1 and 16 more transcripts); c.885C>A, p.Ala295= (NM_001324006.1, NM_001324007.1, NM_001324008.1 and 2 more transcripts); c.1131C>A, p.Ala377= (NM_001324011.1); c.981C>A, p.Ala327= (NM_001324012.1, NM_001324013.1); c.1189-1189C>A (NM_001324001.1); c.2334C>A, p.Ala778= (NM_001290307.3, NM_001323982.2, NM_001323983.1 and 2 more transcripts); c.2025C>A, p.Ala675= (NM_001290309.3); c.1965C>A, p.Ala655= (NM_001290310.3); and 1 more.
Identifiers: ClinVar variation 3773456 (VCV003773456.1).

ClinVar aggregate classification (germline): Benign (1 of 4 stars; one submission).

Conditions:
Hereditary diffuse gastric adenocarcinoma (HDGC). Also called: DIFFUSE GASTRIC AND LOBULAR BREAST CANCER SYNDROME. Identifiers: Orphanet 26106, MedGen C1708349, MONDO:0007648, OMIM 137215.

Submission:

Myriad Genetics, Inc.
Classification: Benign for Hereditary diffuse gastric adenocarcinoma. Last evaluated: 2024-10-15. Review status: criteria provided, single submitter. Criteria: Myriad Autosomal Dominant, Autosomal Recessive and X-Linked Classification Criteria (2023). Collection method: clinical testing. Allele origin: unknown.
Comment: This variant is considered benign. This variant is a silent/synonymous amino acid change and it is not expected to impact splicing.